The following is an entry in ClinVar:

ClinVar aggregate classification (germline): Pathogenic (1 of 4 stars; one submission).

Conditions:
Multiple congenital exostosis (EXT). Also called: Hereditary multiple osteochondromas; Hereditary multiple exostoses; Hereditary multiple exostosis; Multiple osteochondromas; Multiple exostoses; MULTIPLE CARTILAGINOUS EXOSTOSES. Identifiers: Orphanet 321, MedGen C0015306, MONDO:0005508, HP:0002762.

Submission:

Labcorp Genetics (formerly Invitae), Labcorp
Classification: Pathogenic for Multiple congenital exostosis. Last evaluated: 2021-07-26. Review status: criteria provided, single submitter. Criteria: Invitae Variant Classification Sherloc (09022015). Collection method: clinical testing. Allele origin: germline.
Comment: This sequence change creates a premature translational stop signal (p.Pro258Glnfs*29) in the EXT1 gene. It is expected to result in an absent or disrupted protein product. Loss-of-function variants in EXT1 are known to be pathogenic (PMID: 10679937, 11391482, 19810120). For these reasons, this variant has been classified as Pathogenic. This premature translational stop signal has been observed in individual(s) with clinical features of hereditary multiple osteochondromas (Invitae). This variant is not present in population databases (ExAC no frequency).

Literature cited by the submitters: PubMed 10679937; PubMed 11391482; PubMed 19810120.

NM_000127.3(EXT1):c.773_777del (p.Pro258fs)

Gene: EXT1 (exostosin glycosyltransferase 1; minus strand). Cytogenetic location: 8q24.11.
Variant type: Deletion.
Coding change: c.773_777del on transcript NM_000127.3 (MANE Select); coding-DNA positions 773 to 777, 5 bases deleted (CTCTC; older notation c.773_777delCTCTC).
Protein change: p.Pro258fs; shifts the reading frame from proline 258.
Molecular consequence: frameshift variant.
Genome position (GRCh38, 1-based): chr8:118,110,270-118,110,274, GAGAG deleted on the plus strand (CTCTC on the coding strand, the reverse complement: EXT1 is on the minus strand); deleting any 5 consecutive bases within chr8:118,110,270-118,110,277 gives the same sequence; the c. name uses the placement nearest the transcript's 3' end. VCF-style (leftmost placement, unchanged base first): chr8-118110269-TGAGAG-T. GRCh37 (hg19) VCF-style: chr8-119122508-TGAGAG-T.
Other names: short protein forms P258fs.
Identifiers: ClinVar variation 1430274 (VCV001430274.6), dbSNP rs2130041831, ClinGen allele CA2573142824.